The following is an entry in ClinVar:

ClinVar aggregate classification (germline): Uncertain significance (1 of 4 stars; one submission).

Submission:

GeneDx
Classification: Uncertain significance. Last evaluated: 2024-07-09. Review status: criteria provided, single submitter. Criteria: GeneDx Variant Classification Process June 2021. Collection method: clinical testing. Allele origin: germline. Affected: yes.
Comment: Not observed at significant frequency in large population cohorts (gnomAD); In silico analysis indicates that this missense variant does not alter protein structure/function; Has not been previously published as pathogenic or benign to our knowledge

NM_016239.4(MYO15A):c.608T>G (p.Leu203Arg)

Gene: MYO15A (myosin XVA; plus strand). Cytogenetic location: 17p11.2.
Variant type: single nucleotide variant.
Coding change: c.608T>G on transcript NM_016239.4 (MANE Select); coding-DNA position 608, T replaced by G.
Protein change: p.Leu203Arg; replaces leucine 203 with arginine.
Molecular consequence: missense variant.
Genome position (GRCh38, 1-based): chr17:18,119,408, T>G. VCF-style: chr17-18119408-T-G. GRCh37 (hg19) VCF-style: chr17-18022722-T-G.
Other names: short protein forms L203R.
Identifiers: ClinVar variation 3572608 (VCV003572608.1).